The following is an entry in ClinVar:

ClinVar aggregate classification (germline): Uncertain significance (1 of 4 stars; one submission).

Conditions:
Hereditary fructosuria. Also called: ALDOB DEFICIENCY; ALDOLASE B DEFICIENCY; FRUCTOSE-1,6-BISPHOSPHATE ALDOLASE B DEFICIENCY; FRUCTOSE-1-PHOSPHATE ALDOLASE DEFICIENCY; FRUCTOSEMIA; Hereditary fructose intolerance. Identifiers: Orphanet 469, MedGen C0016751, MONDO:0009249, OMIM 229600, HP:0005973. Disease mechanism: loss of function.

gnomAD v4.1: 15 of 1,614,042 alleles (0.00093%); highest among the groups gnomAD compares: African/African-American, 0.008%; no homozygotes.

Submission:

Labcorp Genetics (formerly Invitae), Labcorp
Classification: Uncertain significance for Hereditary fructosuria. Last evaluated: 2025-12-19. Review status: criteria provided, single submitter. Criteria: Invitae Variant Classification Sherloc (09022015). Collection method: clinical testing. Allele origin: germline.
Comment: This sequence change replaces serine, which is neutral and polar, with leucine, which is neutral and non-polar, at codon 356 of the ALDOB protein (p.Ser356Leu). This variant is present in population databases (rs533135266, gnomAD 0.008%). This variant has not been reported in the literature in individuals affected with ALDOB-related conditions. An algorithm developed to predict the effect of missense changes on protein structure and function (PolyPhen-2) suggests that this variant is likely to be disruptive. In summary, the available evidence is currently insufficient to determine the role of this variant in disease. Therefore, it has been classified as a Variant of Uncertain Significance.

NM_000035.4(ALDOB):c.1067C>T (p.Ser356Leu)

Gene: ALDOB (aldolase, fructose-bisphosphate B; minus strand). Cytogenetic location: 9q31.1.
Variant type: single nucleotide variant.
Coding change: c.1067C>T on transcript NM_000035.4 (MANE Select); coding-DNA position 1067, C replaced by T.
Protein change: p.Ser356Leu; replaces serine 356 with leucine.
Molecular consequence: missense variant.
Genome position (GRCh38, 1-based): chr9:101,421,837, G>A on the plus strand (C>T on the coding strand, the complement: ALDOB is on the minus strand). VCF-style: chr9-101421837-G-A. GRCh37 (hg19) VCF-style: chr9-104184119-G-A.
Other names: short protein forms S356L.
Identifiers: ClinVar variation 4744673 (VCV004744673.1).
Genomic context (GRCh38, chr9:101,421,837, plus strand): 5'-AGCACTGGAGCTAGGCTGGCGGGCATTGGACCCTAGTAGGTATAGCAGGCTGTGAAGAGC[G>A]ACTGGGTGGAAGCAGCCCCAGAAGAACCCGTGTGAACATACTGTCCTTTGGCCGCCTGGC-3'
Protein context (NP_000026.2, residues 346-364): TGSSGAASTQ[Ser356Leu]LFTACYTY